The following is an entry in ClinVar:

ClinVar aggregate classification (germline): Uncertain significance (1 of 4 stars; one submission).

Submission:

Labcorp Genetics (formerly Invitae), Labcorp
Classification: Uncertain significance. Last evaluated: 2022-07-12. Review status: criteria provided, single submitter. Criteria: Invitae Variant Classification Sherloc (09022015). Collection method: clinical testing. Allele origin: germline.
Comment: A similar copy number variant has been observed in individuals with autosomal dominant hereditary coproporphyria (Invitae). A copy number gain of the genomic region encompassing the full coding sequence of the CPOX gene has been identified. The boundaries of this event are unknown as they extend beyond the assayed region for this gene and therefore may encompass additional genes. As the precise location of this event is unknown, it may be in tandem or it may be located elsewhere in the genome. Experimental studies and prediction algorithms are not available or were not evaluated, and the functional significance of this variant is currently unknown. In summary, the available evidence is currently insufficient to determine the role of this variant in disease. Therefore, it has been classified as a Variant of Uncertain Significance.

NC_000003.11:g.(?_98299527)_(98312348_?)dup

Gene: CPOX (coproporphyrinogen oxidase; minus strand). Cytogenetic location: 3q11.2-12.1.
Variant type: Duplication.
Identifiers: ClinVar variation 1044518 (VCV001044518.8).